The following is an entry in ClinVar:

ClinVar aggregate classification (germline): Pathogenic (1 of 4 stars; one submission).

Conditions:
Giant axonal neuropathy 1 (GAN1). Also called: GIANT AXONAL NEUROPATHY 1, AUTOSOMAL RECESSIVE; GAN-Related Neurodegeneration. Identifiers: Orphanet 643, MedGen C1850386, MONDO:0009749, OMIM 256850.

Allele frequency attached by ClinVar (database versions not stated): gnomAD exomes below 0.00001.
gnomAD v4.1: 2 of 1,614,152 alleles (0.00012%); highest among the groups gnomAD compares: Non-Finnish European, 0.00017%; no homozygotes.

Submission:

Labcorp Genetics (formerly Invitae), Labcorp
Classification: Pathogenic for Giant axonal neuropathy 1. Last evaluated: 2025-12-21. Review status: criteria provided, single submitter. Criteria: Invitae Variant Classification Sherloc (09022015). Collection method: clinical testing. Allele origin: germline.
Comment: This sequence change replaces leucine, which is neutral and non-polar, with serine, which is neutral and polar, at codon 125 of the GAN protein (p.Leu125Ser). This variant is not present in population databases (gnomAD no frequency). This missense change has been observed in individuals with clinical features of giant axonal neuropathy (PMID: 34114613; internal data). It has also been observed to segregate with disease in related individuals. ClinVar contains an entry for this variant (Variation ID: 465396). Invitae Evidence Modeling of protein sequence and biophysical properties (such as structural, functional, and spatial information, amino acid conservation, physicochemical variation, residue mobility, and thermodynamic stability) indicates that this missense variant is expected to disrupt GAN protein function with a positive predictive value of 80%. For these reasons, this variant has been classified as Pathogenic.

Literature cited by the submitters: PubMed 34114613.

NM_022041.4(GAN):c.374T>C (p.Leu125Ser)

Gene: GAN (gigaxonin; plus strand). Cytogenetic location: 16q23.2.
Variant type: single nucleotide variant.
Coding change: c.374T>C on transcript NM_022041.4 (MANE Select); coding-DNA position 374, T replaced by C.
Protein change: p.Leu125Ser; replaces leucine 125 with serine.
Molecular consequence: missense variant. On other transcripts: 5 prime UTR variant (1).
Genome position (GRCh38, 1-based): chr16:81,354,496, T>C. VCF-style: chr16-81354496-T-C. GRCh37 (hg19) VCF-style: chr16-81388101-T-C.
Other names: c.-266T>C (NM_001377486.1); short protein forms L125S.
Identifiers: ClinVar variation 465396 (VCV000465396.6), dbSNP rs1555511093, ClinGen allele CA396867827.
Genomic context (GRCh38, chr16:81,354,496, plus strand): 5'-TTGTTCAGGCAGCTGACCTGCTGCTACTGACGGACCTTAAAACCCTGTGCTGTGAGTTTT[T>C]GGAAGGCTGCATTGCTGCTGAGAACTGTATTGGTATCCGTGACTTTGCACTACATTACTG-3'
Protein context (NP_071324.1, residues 115-135): TDLKTLCCEF[Leu125Ser]EGCIAAENCI